The following is an entry in ClinVar:

NM_003280.3(TNNC1):c.334A>G (p.Ile112Val)

Gene: TNNC1 (troponin C1, slow skeletal and cardiac type; minus strand). Cytogenetic location: 3p21.1.
Variant type: single nucleotide variant.
Coding change: c.334A>G on transcript NM_003280.3 (MANE Select); coding-DNA position 334, A replaced by G.
Protein change: p.Ile112Val; replaces isoleucine 112 with valine.
Molecular consequence: missense variant.
Genome position (GRCh38, 1-based): chr3:52,451,511, T>C on the plus strand (A>G on the coding strand, the complement: TNNC1 is on the minus strand). VCF-style: chr3-52451511-T-C. GRCh37 (hg19) VCF-style: chr3-52485527-T-C.
Other names: short protein forms I112V.
Identifiers: ClinVar variation 1163249 (VCV001163249.10), dbSNP rs756860563, ClinGen allele CA353166107.

ClinVar aggregate classification (germline): Uncertain significance. Review status: criteria provided, multiple submitters, no conflicts (2 of 4 stars). 2 submissions from 2 submitters: Uncertain significance (2). Last evaluated 2021-08-04.

Conditions:
Dilated cardiomyopathy 1Z (CMD1Z). Identifiers: Orphanet 154, MedGen C2678475, MONDO:0012745, OMIM 611879.
Hypertrophic cardiomyopathy 13. Also called: TNNC1-Related Familial Hypertrophic Cardiomyopathy. Identifiers: MedGen C2750472, MONDO:0013195, OMIM 613243.

Allele frequency attached by ClinVar (database versions not stated): TOPMed below 0.00001.

Submissions (2):

Labcorp Genetics (formerly Invitae), Labcorp
Classification: Uncertain significance for Hypertrophic cardiomyopathy 13; Dilated cardiomyopathy 1Z. Last evaluated: 2021-08-04. Review status: criteria provided, single submitter. Criteria: Invitae Variant Classification Sherloc (09022015). Collection method: clinical testing. Allele origin: germline.
Comment: This sequence change replaces isoleucine with valine at codon 112 of the TNNC1 protein (p.Ile112Val). The isoleucine residue is highly conserved and there is a small physicochemical difference between isoleucine and valine. In summary, the available evidence is currently insufficient to determine the role of this variant in disease. Therefore, it has been classified as a Variant of Uncertain Significance. Algorithms developed to predict the effect of missense changes on protein structure and function (SIFT, PolyPhen-2, Align-GVGD) all suggest that this variant is likely to be disruptive. ClinVar contains an entry for this variant (Variation ID: 1163249). This variant has not been reported in the literature in individuals affected with TNNC1-related conditions. This variant is not present in population databases (ExAC no frequency).

Mayo Clinic Laboratories, Mayo Clinic
Classification: Uncertain significance. Last evaluated: 2020-04-16. Review status: criteria provided, single submitter. Criteria: ACMG Guidelines, 2015. Collection method: clinical testing. Allele origin: germline. Observed: 1 variant allele.